The following is an entry in ClinVar:

ClinVar aggregate classification (germline): Uncertain significance. Review status: criteria provided, multiple submitters, no conflicts (2 of 4 stars). 3 submissions from 3 submitters: Uncertain significance (3). Last evaluated 2025-01-18.

Conditions:
Inborn genetic diseases. Identifiers: MedGen C0950123, MeSH D030342.

Allele frequency attached by ClinVar (database versions not stated): gnomAD 0.00001; gnomAD exomes 0.00001; ExAC 0.00002; TOPMed 0.00002; 1000 Genomes Project 0.00020; 1000 Genomes Project 30x 0.00031.
gnomAD v4.1: 14 of 1,607,514 alleles (0.00087%); highest among the groups gnomAD compares: Admixed American, 0.005%; no homozygotes.

Submissions (3):

Ambry Genetics
Classification: Uncertain significance for Inborn genetic diseases. Last evaluated: 2025-01-18. Review status: criteria provided, single submitter. Criteria: Ambry Variant Classification Scheme 2023. Collection method: clinical testing. Allele origin: germline.

GeneDx
Classification: Uncertain significance. Last evaluated: 2023-06-13. Review status: criteria provided, single submitter. Criteria: GeneDx Variant Classification Process June 2021. Collection method: clinical testing. Allele origin: germline. Affected: yes.
Comment: Not observed at significant frequency in large population cohorts (gnomAD); In silico analysis supports that this missense variant does not alter protein structure/function; Has not been previously published as pathogenic or benign to our knowledge

Labcorp Genetics (formerly Invitae), Labcorp
Classification: Uncertain significance. Last evaluated: 2022-03-15. Review status: criteria provided, single submitter. Criteria: Invitae Variant Classification Sherloc (09022015). Collection method: clinical testing. Allele origin: germline.
Comment: In summary, the available evidence is currently insufficient to determine the role of this variant in disease. Therefore, it has been classified as a Variant of Uncertain Significance. Algorithms developed to predict the effect of missense changes on protein structure and function output the following: SIFT: "Tolerated"; PolyPhen-2: "Benign"; Align-GVGD: "Class C0". The methionine amino acid residue is found in multiple mammalian species, which suggests that this missense change does not adversely affect protein function. This variant has not been reported in the literature in individuals affected with ASPM-related conditions. The frequency data for this variant in the population databases is considered unreliable, as metrics indicate poor data quality at this position in the gnomAD database. This sequence change replaces isoleucine, which is neutral and non-polar, with methionine, which is neutral and non-polar, at codon 3014 of the ASPM protein (p.Ile3014Met).

NM_018136.5(ASPM):c.9042A>G (p.Ile3014Met)

Gene: ASPM (assembly factor for spindle microtubules; minus strand). Cytogenetic location: 1q31.3.
Variant type: single nucleotide variant.
Coding change: c.9042A>G on transcript NM_018136.5 (MANE Select); coding-DNA position 9042, A replaced by G.
Protein change: p.Ile3014Met; replaces isoleucine 3014 with methionine.
Molecular consequence: missense variant.
Genome position (GRCh38, 1-based): chr1:197,094,126, T>C on the plus strand (A>G on the coding strand, the complement: ASPM is on the minus strand). VCF-style: chr1-197094126-T-C. GRCh37 (hg19) VCF-style: chr1-197063256-T-C.
Other names: c.4287A>G, p.Ile1429Met (NM_001206846.2); c.9042A>G (NM_018136.4); short protein forms I1429M, I3014M.
Identifiers: ClinVar variation 2167958 (VCV002167958.5), dbSNP rs200566893, ClinGen allele CA1309070.